The following is an entry in ClinVar:

ClinVar aggregate classification (germline): Pathogenic. Review status: criteria provided, multiple submitters, no conflicts (2 of 4 stars). 7 submissions from 7 submitters: Pathogenic (5). 2 of the submissions do not count toward it. Last evaluated 2026-02-19.

Conditions:
Hereditary cancer-predisposing syndrome. Also called: Tumor predisposition; Hereditary neoplastic syndrome; Hereditary Cancer Syndrome; Neoplastic Syndromes, Hereditary. Identifiers: Orphanet 140162, MedGen C0027672, MeSH D009386, MONDO:0015356.
Hereditary breast ovarian cancer syndrome. Also called: Hereditary breast and/or ovarian cancer syndrome; Breast and ovarian cancer; Hereditary breast and ovarian cancer syndrome; Hereditary breast and ovarian cancer; Hereditary breast and ovarian cancer syndrome (HBOC); BRCA1- and BRCA2-Associated Hereditary Breast and Ovarian Cancer. Identifiers: Orphanet 145, MedGen C0677776, MeSH D061325, MONDO:0003582. Disease mechanism: loss of function.
Breast-ovarian cancer, familial, susceptibility to, 1 (BROVCA1). Also called: BRCA1 Hereditary Breast and Ovarian Cancer; OVARIAN CANCER, SUSCEPTIBILITY TO. Identifiers: Orphanet 145, MedGen C2676676, MONDO:0011450, OMIM 604370. Disease mechanism: loss of function.

Submissions (8):

Ambry Genetics
Classification: Pathogenic for Hereditary cancer-predisposing syndrome. Last evaluated: 2026-02-19. Review status: criteria provided, single submitter. Criteria: Ambry Variant Classification Scheme 2023. Collection method: clinical testing. Allele origin: germline.
Comment: The c.80+2T>G intronic pathogenic mutation results from a T to G substitution two nucleotides after coding exon 1 in the BRCA1 gene. This nucleotide position is highly conserved in available vertebrate species. In silico splice site analysis predicts that this alteration will weaken the native splice donor site. RNA studies have demonstrated that this variant results in abnormal splicing in the set of samples tested (Ambry internal data). Similar alterations at this splice donor site through +5 have been shown to cause skipping of coding exon 1 (also known as Exon 2) with resulting loss of the start codon (Ambry internal data; Steffensen AY et al. Eur J Hum Genet. 2014 Dec;22(12):1362-8). One study found that this nucleotide substitution is non-functional in a high throughput genome editing haploid cell survival assay (Findlay GM et al. Nature, 2018 10;562:217-222). In addition to the clinical data presented in the literature, alterations that disrupt the canonical splice site are expected to cause aberrant splicing, resulting in an abnormal protein or a transcript that is subject to nonsense-mediated mRNA decay. Based on the supporting evidence, this variant is interpreted as a disease-causing mutation.

Quest Diagnostics Nichols Institute San Juan Capistrano
Classification: Pathogenic. Last evaluated: 2025-07-09. Review status: criteria provided, single submitter. Criteria: Quest Diagnostics criteria. Collection method: clinical testing. Allele origin: unknown.
Comment: The BRCA1 c.80+2T>G variant disrupts a canonical splice-donor site and interferes with normal BRCA1 mRNA splicing. This variant has been reported in the published literature in individuals with breast cancer (PMIDs: 25682074 (2015) and 34887416 (2021)). A functional study demonstrated that this variant lost functional activity in a large-scale study using a haploid cell line (PMID: 30209399 (2018)).This variant has not been reported in large, multi-ethnic general populations (Genome Aggregation Database). Based on the available information, this variant is classified as pathogenic.

Color Diagnostics, LLC DBA Color Health
Classification: Pathogenic for Hereditary cancer-predisposing syndrome. Last evaluated: 2023-07-17. Review status: criteria provided, single submitter. Criteria: ACMG Guidelines, 2015. Collection method: clinical testing. Allele origin: germline.
Comment: This variant causes a T to G nucleotide substitution at the +2 position of intron 2 of the BRCA1 gene. Splice site prediction tools suggest that this variant may have a significant impact on RNA splicing (PMID: 35449021). Although functional RNA studies have not been reported for this variant, a different variant with the same predicted impact c.80+1G>A has been shown in a mini-gene splicing assay to cause the skipping of exon 1 and the loss of the translation initiation codon (PMID: 24667779). A functional study has reported that this variant impacts BRCA1 function in a haploid cell proliferation assay (PMID: 30209399). This variant has been reported in an individual affected with triple-negative breast cancer (PMID: 25682074). This variant has not been identified in the general population by the Genome Aggregation Database (gnomAD). Loss of BRCA1 function is a known mechanism of disease. Based on the available evidence, this variant is classified as Pathogenic.

Labcorp Genetics (formerly Invitae), Labcorp
Classification: Pathogenic for Hereditary breast ovarian cancer syndrome. Last evaluated: 2022-10-04. Review status: criteria provided, single submitter. Criteria: Invitae Variant Classification Sherloc (09022015). Collection method: clinical testing. Allele origin: germline.
Comment: This variant has not been reported in the literature in individuals affected with BRCA1-related conditions. This variant is not present in population databases (gnomAD no frequency). This sequence change affects a donor splice site in intron 2 of the BRCA1 gene. It is expected to disrupt RNA splicing. Variants that disrupt the donor or acceptor splice site typically lead to a loss of protein function (PMID: 16199547), and loss-of-function variants in BRCA1 are known to be pathogenic (PMID: 20104584). Experimental studies have shown that disruption of this splice site affects BRCA1 function (PMID: 30209399). Algorithms developed to predict the effect of variants on protein structure and function are not available or were not evaluated for this variant. ClinVar contains an entry for this variant (Variation ID: 125518). For these reasons, this variant has been classified as Pathogenic. Studies have shown that disruption of this splice site alters mRNA splicing and is expected to lead to the loss of protein expression (PMID: 24667779).

Consortium of Investigators of Modifiers of BRCA1/2 (CIMBA), c/o University of Cambridge
Classification: Pathogenic for Breast-ovarian cancer, familial, susceptibility to, 1. Last evaluated: 2015-10-02. Review status: criteria provided, single submitter. Criteria: CIMBA Mutation Classification guidelines May 2016. Collection method: clinical testing. Allele origin: germline.

Breast Cancer Information Core (BIC) (BRCA1)
Classification: Pathogenic for Breast-ovarian cancer, familial 1. Last evaluated: 2004-02-20. Review status: no assertion criteria provided. Collection method: clinical testing. Allele origin: germline. Affected: yes. Observed: 1 variant allele. Not counted in ClinVar's aggregate classification.

Brotman Baty Institute, University of Washington
No classification provided (evidence only). Condition: Breast-ovarian cancer, familial 1. Review status: no classification provided. Collection method: in vitro. Allele origin: not applicable. Functional consequence: functionally_abnormal. Not counted in ClinVar's aggregate classification.
ClinVar note: "not provided" was previously submitted as the classification for the variant. However, the classification appeared to be based only on an observation of functional data so it was converted to no classification on 2025-07-30.

Department of Pathology and Laboratory Medicine, Sinai Health System
Classification: Pathogenic. Review status: no assertion criteria provided. Collection method: clinical testing. Allele origin: unknown. Affected: yes. Observed: 1 variant allele. Study: The Canadian Open Genetics Repository (COGR). Not counted in ClinVar's aggregate classification.
Comment: The BRCA1 c.80+2T>G variant was not identified in the literature nor was it identified in the LOVD 3.0, or UMD-LSDB, databases. The variant was identified in dbSNP (ID: rs80358128) as "With Pathogenic allele", and in ClinVar (classified as pathogenic by CIMBA and BIC). The variant was not identified in the following control databases: the Exome Aggregation Consortium (August 8th 2016), or the Genome Aggregation Database (Feb 27, 2017). The c.80+2T>G variant is predicted to cause abnormal splicing because the nucleotide substitution occurs in the invariant region of the splice consensus sequence. In addition, 3 of 4 in silico or computational prediction software programs (SpliceSiteFinder, MaxEntScan, NNSPLICE, GeneSplicer) predict a greater than 10% difference in splicing. In summary, based on the above information this variant meets our laboratoryâ€šÃ„Ã´s criteria to be classified as pathogenic.

Literature cited by the submitters: PubMed 30209399 (cited by 4 submitters); PubMed 25682074 (cited by Quest Diagnostics Nichols Institute San Juan Capistrano and Color Diagnostics, LLC DBA Color Health); PubMed 34887416 (cited by Quest Diagnostics Nichols Institute San Juan Capistrano); PubMed 24667779 (cited by Color Diagnostics, LLC DBA Color Health and Labcorp Genetics (formerly Invitae), Labcorp); PubMed 35449021 (cited by Color Diagnostics, LLC DBA Color Health); PubMed 16199547 (cited by Labcorp Genetics (formerly Invitae), Labcorp); PubMed 20104584 (cited by Labcorp Genetics (formerly Invitae), Labcorp).

NM_007294.4(BRCA1):c.80+2T>G

Gene: BRCA1 (BRCA1 DNA repair associated; minus strand). Cytogenetic location: 17q21.31.
Variant type: single nucleotide variant.
Coding change: c.80+2T>G on transcript NM_007294.4 (MANE Select); the canonical splice donor site of the intron after coding-DNA position 80, T replaced by G.
Molecular consequence: splice donor variant. On other transcripts: intron variant (36).
Genome position (GRCh38, 1-based): chr17:43,124,015, A>C on the plus strand (T>G on the coding strand, the complement: BRCA1 is on the minus strand). VCF-style: chr17-43124015-A-C. GRCh37 (hg19) VCF-style: chr17-41276032-A-C.
Other names: IVS2+2T>G; c.-109+2T>G (NM_001407906.1, NM_001407887.1, NM_001407886.1 and 46 more transcripts); c.80+2T>G (NM_001408408.1, NM_001407647.1, NM_001408446.1 and 192 more transcripts); c.-61-8236T>G (NM_001408458.1); c.-219+1262T>G (NM_001407967.1); c.-170+1262T>G (NM_001407959.1); c.-8+1262T>G (NM_001407931.1, NM_001407747.1); c.-224+1262T>G (NM_001407962.1, NM_001408512.1, NM_001408510.1); and 24 more.
Identifiers: ClinVar variation 125518 (VCV000125518.21), dbSNP rs80358128, ClinGen allele CA003887.